The following is an entry in ClinVar:

ClinVar aggregate classification (germline): Uncertain significance (1 of 4 stars; one submission).

Allele frequency attached by ClinVar (database versions not stated): ExAC 0.00001; gnomAD exomes 0.00001.

Submission:

Labcorp Genetics (formerly Invitae), Labcorp
Classification: Uncertain significance. Last evaluated: 2022-01-12. Review status: criteria provided, single submitter. Criteria: Invitae Variant Classification Sherloc (09022015). Collection method: clinical testing. Allele origin: germline.
Comment: This variant is present in population databases (rs755292064, gnomAD 0.002%). This sequence change replaces leucine, which is neutral and non-polar, with proline, which is neutral and non-polar, at codon 136 of the KCNV2 protein (p.Leu136Pro). This variant has not been reported in the literature in individuals affected with KCNV2-related conditions. ClinVar contains an entry for this variant (Variation ID: 1001131). Advanced modeling of protein sequence and biophysical properties (such as structural, functional, and spatial information, amino acid conservation, physicochemical variation, residue mobility, and thermodynamic stability) performed at Invitae indicates that this missense variant is expected to disrupt KCNV2 protein function. In summary, the available evidence is currently insufficient to determine the role of this variant in disease. Therefore, it has been classified as a Variant of Uncertain Significance.

NM_133497.4(KCNV2):c.407T>C (p.Leu136Pro)

Gene: KCNV2 (potassium voltage-gated channel modifier subfamily V member 2; plus strand). Cytogenetic location: 9p24.2.
Variant type: single nucleotide variant.
Coding change: c.407T>C on transcript NM_133497.4 (MANE Select); coding-DNA position 407, T replaced by C.
Protein change: p.Leu136Pro; replaces leucine 136 with proline.
Molecular consequence: missense variant.
Genome position (GRCh38, 1-based): chr9:2,718,146, T>C. VCF-style: chr9-2718146-T-C. GRCh37 (hg19) VCF-style: chr9-2718146-T-C.
Other names: short protein forms L136P.
Identifiers: ClinVar variation 1001131 (VCV001001131.8), dbSNP rs755292064, ClinGen allele CA4965437.